The following is an entry in ClinVar:

ClinVar aggregate classification (germline): Uncertain significance (1 of 4 stars; one submission).

Submission:

Mayo Clinic Laboratories, Mayo Clinic
Classification: Uncertain significance. Last evaluated: 2025-10-31. Review status: criteria provided, single submitter. Criteria: ACMG Guidelines, 2015. Collection method: clinical testing. Allele origin: germline. Observed: 1 variant allele.
Comment: BP4_moderate, PM2_supporting

NM_001367624.2(ZNF469):c.107A>C (p.Glu36Ala)

Gene: ZNF469 (zinc finger protein 469; plus strand). Cytogenetic location: 16q24.2.
Variant type: single nucleotide variant.
Coding change: c.107A>C on transcript NM_001367624.2 (MANE Select); coding-DNA position 107, A replaced by C.
Protein change: p.Glu36Ala; replaces glutamic acid 36 with alanine.
Molecular consequence: missense variant.
Genome position (GRCh38, 1-based): chr16:88,427,577, A>C. VCF-style: chr16-88427577-A-C. GRCh37 (hg19) VCF-style: chr16-88493985-A-C.
Other names: p.Glu36Ala; short protein forms E36A.
Identifiers: ClinVar variation 4542050 (VCV004542050.1).
Genomic context (GRCh38, chr16:88,427,577, plus strand): 5'-GAGACCTGCAGCCCCGCCAAGTTGCCAGCAGCCCGGGGCACCCCTCCCAGCCGCCACTGG[A>C]GGACAACACCCCAGCTACCAGGACCACCAAGGGTGCCAGGGAGGCTGGCGGCCAGGCCCA-3'
Protein context (NP_001354553.1, residues 26-46): SPGHPSQPPL[Glu36Ala]DNTPATRTTK